The following is an entry in ClinVar:

NM_002691.4(POLD1):c.3293G>C (p.Arg1098Pro)

Gene: POLD1 (DNA polymerase delta 1, catalytic subunit; plus strand). Cytogenetic location: 19q13.33.
Variant type: single nucleotide variant.
Coding change: c.3293G>C on transcript NM_002691.4 (MANE Select); coding-DNA position 3293, G replaced by C.
Protein change: p.Arg1098Pro; replaces arginine 1098 with proline.
Molecular consequence: missense variant. On other transcripts: non-coding transcript variant (1).
Genome position (GRCh38, 1-based): chr19:50,417,916, G>C. VCF-style: chr19-50417916-G-C. GRCh37 (hg19) VCF-style: chr19-50921173-G-C.
Other names: c.3293G>C, p.Arg1098Pro (NM_001256849.1); c.3371G>C, p.Arg1124Pro (NM_001308632.1); short protein forms R1098P, R1124P.
Identifiers: ClinVar variation 1062132 (VCV001062132.9), dbSNP rs878854552, ClinGen allele CA406987856.

ClinVar aggregate classification (germline): Uncertain significance (1 of 4 stars; one submission).

Conditions:
POLD1-related polyposis and colorectal cancer syndrome (CRCS10). Also called: Colorectal cancer, susceptibility to, 10; Colorectal cancer 10; COLORECTAL CANCER, SUSCEPTIBILITY TO, ON CHROMOSOME 19q. Identifiers: Orphanet 220460, MedGen C2675481, MONDO:0012953, OMIM 612591.

Submission:

Labcorp Genetics (formerly Invitae), Labcorp
Classification: Uncertain significance for POLD1-related polyposis and colorectal cancer syndrome. Last evaluated: 2021-07-08. Review status: criteria provided, single submitter. Criteria: Invitae Variant Classification Sherloc (09022015). Collection method: clinical testing. Allele origin: germline.
Comment: This sequence change replaces arginine with proline at codon 1098 of the POLD1 protein (p.Arg1098Pro). The arginine residue is moderately conserved and there is a moderate physicochemical difference between arginine and proline. This variant is not present in population databases (ExAC no frequency). This variant has not been reported in the literature in individuals with POLD1-related conditions. Algorithms developed to predict the effect of missense changes on protein structure and function are either unavailable or do not agree on the potential impact of this missense change (SIFT: "Deleterious"; PolyPhen-2: "Probably Damaging"; Align-GVGD: "Class C0"). In summary, the available evidence is currently insufficient to determine the role of this variant in disease. Therefore, it has been classified as a Variant of Uncertain Significance.